The following is an entry in ClinVar:

Single allele

Genes: ANKRD11 (ankyrin repeat domain containing 11; minus strand), SPG7 (SPG7 matrix AAA peptidase subunit, paraplegin; plus strand), LOC101927817 (uncharacterized LOC101927817; plus strand). Cytogenetic location: 16q24.3.
Variant type: Duplication.
Identifiers: ClinVar variation 560113 (VCV000560113.3).

ClinVar aggregate classification (germline): Uncertain significance (1 of 4 stars; one submission).

Submission:

Geisinger Autism and Developmental Medicine Institute, Geisinger Health System
Classification: Uncertain significance. Last evaluated: 2018-03-22. Review status: criteria provided, single submitter. Criteria: ACMG CNV Guidelines, 2011. Collection method: provider interpretation. Allele origin: maternal.
Comment: The duplication includes ANKRD11 and SPG7 genes. These genes are associated with autosomal dominant KBG syndrome and spastic paraplegia type 7, respectively, but the effect of a duplication involving these genes is unclear. Copy number variation in this region has been reported in the general population.